The following is an entry in ClinVar:

NM_170784.3(MKKS):c.1589C>T (p.Ala530Val)

Gene: MKKS (MKKS centrosomal shuttling protein; minus strand). Cytogenetic location: 20p12.2.
Variant type: single nucleotide variant.
Coding change: c.1589C>T on transcript NM_170784.3 (MANE Select); coding-DNA position 1589, C replaced by T.
Protein change: p.Ala530Val; replaces alanine 530 with valine.
Molecular consequence: missense variant. On other transcripts: non-coding transcript variant (1).
Genome position (GRCh38, 1-based): chr20:10,405,371, G>A on the plus strand (C>T on the coding strand, the complement: MKKS is on the minus strand). VCF-style: chr20-10405371-G-A. GRCh37 (hg19) VCF-style: chr20-10386019-G-A.
Other names: c.1589C>T, p.Ala530Val (NM_018848.3); short protein forms A530V.
Identifiers: ClinVar variation 1397443 (VCV001397443.5), dbSNP rs2122219422, ClinGen allele CA408230562.

ClinVar aggregate classification (germline): Uncertain significance (1 of 4 stars; one submission).

Conditions:
McKusick-Kaufman syndrome (MKKS). Also called: HYDROMETROCOLPOS SYNDROME; HYDROMETROCOLPOS, POSTAXIAL POLYDACTYLY, AND CONGENITAL HEART MALFORMATION. Identifiers: Orphanet 2473, MedGen C0948368, MONDO:0009367, OMIM 236700.
Bardet-Biedl syndrome (BBS). Identifiers: Orphanet 110, MedGen C0752166, MONDO:0015229.

Allele frequency attached by ClinVar (database versions not stated): gnomAD exomes below 0.00001.
gnomAD v4.1: 2 of 1,614,222 alleles (0.00012%); highest among the groups gnomAD compares: Non-Finnish European, 0.00017%; no homozygotes.

Submission:

Labcorp Genetics (formerly Invitae), Labcorp
Classification: Uncertain significance for McKusick-Kaufman syndrome; Bardet-Biedl syndrome. Last evaluated: 2021-08-28. Review status: criteria provided, single submitter. Criteria: Invitae Variant Classification Sherloc (09022015). Collection method: clinical testing. Allele origin: germline.
Comment: This sequence change replaces alanine with valine at codon 530 of the MKKS protein (p.Ala530Val). The alanine residue is moderately conserved and there is a small physicochemical difference between alanine and valine. This variant is not present in population databases (ExAC no frequency). This variant has not been reported in the literature in individuals affected with MKKS-related conditions. Algorithms developed to predict the effect of missense changes on protein structure and function (SIFT, PolyPhen-2, Align-GVGD) all suggest that this variant is likely to be tolerated. In summary, the available evidence is currently insufficient to determine the role of this variant in disease. Therefore, it has been classified as a Variant of Uncertain Significance.